The following is an entry in ClinVar:

ClinVar aggregate classification (germline): Likely benign. Review status: criteria provided, multiple submitters, no conflicts (2 of 4 stars). 3 submissions from 3 submitters: Likely benign (2). 1 of the submissions does not count toward it. Last evaluated 2025-11-25.

Conditions:
Familial idiopathic hypercalciuria (HCA2). Also called: Hypercalciuria, absorptive, 2; Hypercalciuria, absorptive, susceptibility to. Identifiers: MedGen C0342639, MONDO:0007748, OMIM 143870.
ADCY10-related disorder. Also called: ADCY10-related condition.

Allele frequency attached by ClinVar (database versions not stated): gnomAD exomes 0.00003 and 0.00008; ExAC 0.00012; ESP Exome Variant Server 0.00015; gnomAD 0.00034 and 0.00038; TOPMed 0.00043; 1000 Genomes Project 30x 0.00078; 1000 Genomes Project 0.00080.
gnomAD v4.1: 104 of 1,614,148 alleles (0.0064%); highest among the groups gnomAD compares: African/African-American, 0.12%; 1 homozygote.

Submissions (3):

Labcorp Genetics (formerly Invitae), Labcorp
Classification: Likely benign. Last evaluated: 2025-11-25. Review status: criteria provided, single submitter. Criteria: Invitae Variant Classification Sherloc (09022015). Collection method: clinical testing. Allele origin: germline.

Fulgent Genetics
Classification: Likely benign for Familial idiopathic hypercalciuria. Last evaluated: 2021-10-04. Review status: criteria provided, single submitter. Criteria: ACMG Guidelines, 2015. Collection method: clinical testing. Allele origin: unknown.

PreventionGenetics, part of Exact Sciences
Classification: Likely benign for ADCY10-related condition. Last evaluated: 2019-03-14. Review status: no assertion criteria provided. Collection method: clinical testing. Allele origin: germline. Not counted in ClinVar's aggregate classification.
Comment: This variant is classified as likely benign based on ACMG/AMP sequence variant interpretation guidelines (Richards et al. 2015 PMID: 25741868, with internal and published modifications).

NM_018417.6(ADCY10):c.3429T>C (p.Asn1143=)

Gene: ADCY10 (adenylate cyclase 10; minus strand). Cytogenetic location: 1q24.2.
Variant type: single nucleotide variant.
Coding change: c.3429T>C on transcript NM_018417.6 (MANE Select); coding-DNA position 3429, T replaced by C.
Protein change: p.Asn1143=; no amino-acid change (asparagine 1143 retained).
Molecular consequence: synonymous variant.
Genome position (GRCh38, 1-based): chr1:167,833,151, A>G on the plus strand (T>C on the coding strand, the complement: ADCY10 is on the minus strand). VCF-style: chr1-167833151-A-G. GRCh37 (hg19) VCF-style: chr1-167802389-A-G.
Other names: c.2970T>C, p.Asn990= (NM_001167749.3); c.3153T>C, p.Asn1051= (NM_001297772.2); c.3429T>C (NM_018417.5).
Identifiers: ClinVar variation 1529194 (VCV001529194.11), dbSNP rs149920420, ClinGen allele CA1227348.